The following is an entry in ClinVar:

NM_001375405.1(CEP120):c.1034C>T (p.Ser345Phe)

Gene: CEP120 (centrosomal protein 120; minus strand). Cytogenetic location: 5q23.2.
Variant type: single nucleotide variant.
Coding change: c.1034C>T on transcript NM_001375405.1 (MANE Select); coding-DNA position 1034, C replaced by T.
Protein change: p.Ser345Phe; replaces serine 345 with phenylalanine.
Molecular consequence: missense variant. On other transcripts: non-coding transcript variant (1).
Genome position (GRCh38, 1-based): chr5:123,391,114, G>A on the plus strand (C>T on the coding strand, the complement: CEP120 is on the minus strand). VCF-style: chr5-123391114-G-A. GRCh37 (hg19) VCF-style: chr5-122726808-G-A.
Other names: c.956C>T, p.Ser319Phe (NM_001166226.2); c.1034C>T, p.Ser345Phe (NM_001375406.1, NM_001375407.1, NM_153223.4); c.461C>T, p.Ser154Phe (NM_001375408.1, NM_001375409.1); short protein forms S154F, S319F, S345F.
Identifiers: ClinVar variation 964515 (VCV000964515.9), dbSNP rs1772365923, ClinGen allele CA360891608.
Genomic context (GRCh38, chr5:123,391,114, plus strand): 5'-AGTAATCATGCATGGGACTAGTGAAGCCAGGGGAATGAAGGAGGGCCACTACTTGCCTGG[G>A]AGTCTATGCCTTCTCTCTGCAGAGCCACAGACACTCCCACAGTTGGGGCTAGCTCCACAG-3'
Protein context (NP_001362334.1, residues 335-355): SVALQREGID[Ser345Phe]QSLIELKTQN

ClinVar aggregate classification (germline): Uncertain significance (1 of 4 stars; one submission).

Conditions:
Short-rib thoracic dysplasia 13 with or without polydactyly (SRTD13). Identifiers: Orphanet 474, MedGen C4225378, MONDO:0014577, OMIM 616300.

gnomAD v4.1: 1 of 1,610,896 alleles (0.000062%); highest among the groups gnomAD compares: Non-Finnish European, 0.000085%; no homozygotes.

Submission:

Labcorp Genetics (formerly Invitae), Labcorp
Classification: Uncertain significance for Short-rib thoracic dysplasia 13 with or without polydactyly. Last evaluated: 2019-08-19. Review status: criteria provided, single submitter. Criteria: Invitae Variant Classification Sherloc (09022015). Collection method: clinical testing. Allele origin: germline.
Comment: This sequence change replaces serine with phenylalanine at codon 345 of the CEP120 protein (p.Ser345Phe). The serine residue is moderately conserved and there is a large physicochemical difference between serine and phenylalanine. This variant is not present in population databases (ExAC no frequency). In summary, the available evidence is currently insufficient to determine the role of this variant in disease. Therefore, it has been classified as a Variant of Uncertain Significance. Algorithms developed to predict the effect of missense changes on protein structure and function (SIFT, PolyPhen-2, Align-GVGD) all suggest that this variant is likely to be tolerated, but these predictions have not been confirmed by published functional studies and their clinical significance is uncertain. This variant has not been reported in the literature in individuals with CEP120-related conditions.